The following is an entry in ClinVar:

ClinVar aggregate classification (germline): Uncertain significance (1 of 4 stars; one submission).

Conditions:
Inborn genetic diseases. Identifiers: MedGen C0950123, MeSH D030342.

Submission:

Ambry Genetics
Classification: Uncertain significance for Inborn genetic diseases. Last evaluated: 2018-02-23. Review status: criteria provided, single submitter. Criteria: Ambry Variant Classification Scheme 2023. Collection method: clinical testing. Allele origin: germline.
Comment: The p.P268H variant (also known as c.803C>A), located in coding exon 5 of the SLC6A8 gene, results from a C to A substitution at nucleotide position 803. The proline at codon 268 is replaced by histidine, an amino acid with similar properties. This amino acid position is highly conserved in available vertebrate species. In addition, this alteration is predicted to be deleterious by in silico analysis. Since supporting evidence is limited at this time, the clinical significance of this alteration remains unclear.

NM_005629.4(SLC6A8):c.803C>A (p.Pro268His)

Gene: SLC6A8 (solute carrier family 6 member 8; plus strand). Cytogenetic location: Xq28.
Variant type: single nucleotide variant.
Coding change: c.803C>A on transcript NM_005629.4 (MANE Select); coding-DNA position 803, C replaced by A.
Protein change: p.Pro268His; replaces proline 268 with histidine.
Molecular consequence: missense variant.
Genome position (GRCh38, 1-based): chrX:153,693,066, C>A. VCF-style: chrX-153693066-C-A. GRCh37 (hg19) VCF-style: chrX-152958521-C-A.
Other names: c.803C>A, p.Pro268His (NM_001142805.2); c.458C>A, p.Pro153His (NM_001142806.1); short protein forms P153H, P268H.
Identifiers: ClinVar variation 985933 (VCV000985933.3), dbSNP rs2091465921, ClinGen allele CA415083305.